The following is an entry in ClinVar:

ClinVar aggregate classification (germline): Uncertain significance (1 of 4 stars; one submission).

Submission:

GeneDx
Classification: Uncertain significance. Last evaluated: 2023-12-14. Review status: criteria provided, single submitter. Criteria: GeneDx Variant Classification Process June 2021. Collection method: clinical testing. Allele origin: germline. Affected: yes.
Comment: Not observed at significant frequency in large population cohorts (gnomAD); In silico analysis supports that this missense variant has a deleterious effect on protein structure/function; Has not been previously published as pathogenic or benign to our knowledge

NM_001039591.3(USP9X):c.3650T>C (p.Val1217Ala)

Gene: USP9X (ubiquitin specific peptidase 9 X-linked; plus strand). Cytogenetic location: Xp11.4.
Variant type: single nucleotide variant.
Coding change: c.3650T>C on transcript NM_001039591.3 (MANE Select); coding-DNA position 3650, T replaced by C.
Protein change: p.Val1217Ala; replaces valine 1217 with alanine.
Molecular consequence: missense variant.
Genome position (GRCh38, 1-based): chrX:41,186,608, T>C. VCF-style: chrX-41186608-T-C. GRCh37 (hg19) VCF-style: chrX-41045861-T-C.
Other names: c.3650T>C, p.Val1217Ala (NM_001039590.3); short protein forms V1217A.
Identifiers: ClinVar variation 1314546 (VCV001314546.3), dbSNP rs2147164026, ClinGen allele CA412766708.